The following is an entry in ClinVar:

ClinVar aggregate classification (germline): Uncertain significance. Review status: criteria provided, multiple submitters, no conflicts (2 of 4 stars). 2 submissions from 2 submitters: Uncertain significance (2). Last evaluated 2021-09-04.

Conditions:
Ciliary dyskinesia, primary, 37 (CILD37). Also called: CILIARY DYSKINESIA, PRIMARY, 37, WITH OR WITHOUT SITUS INVERSUS. Identifiers: MedGen C4539798, MONDO:0033204, OMIM 617577.
Spermatogenic failure 18. Identifiers: MedGen C4539783, MONDO:0054615, OMIM 617576.

Allele frequency attached by ClinVar (database versions not stated): gnomAD exomes below 0.00001 and 0.00001; gnomAD 0.00001; TOPMed 0.00002.
gnomAD v4.1: 5 of 1,613,752 alleles (0.00031%); highest among the groups gnomAD compares: Non-Finnish European, 0.00042%; no homozygotes.

Submissions (2):

Labcorp Genetics (formerly Invitae), Labcorp
Classification: Uncertain significance for Ciliary dyskinesia, primary, 37; Spermatogenic failure 18. Last evaluated: 2021-09-04. Review status: criteria provided, single submitter. Criteria: Invitae Variant Classification Sherloc (09022015). Collection method: clinical testing. Allele origin: germline.
Comment: In summary, the available evidence is currently insufficient to determine the role of this variant in disease. Therefore, it has been classified as a Variant of Uncertain Significance. Algorithms developed to predict the effect of missense changes on protein structure and function are either unavailable or do not agree on the potential impact of this missense change (SIFT: "Deleterious"; PolyPhen-2: "Probably Damaging"; Align-GVGD: "Class C0"). This variant has not been reported in the literature in individuals affected with DNAH1-related conditions. This variant is not present in population databases (ExAC no frequency). This sequence change replaces asparagine with threonine at codon 2297 of the DNAH1 protein (p.Asn2297Thr). The asparagine residue is moderately conserved and there is a small physicochemical difference between asparagine and threonine.

Ambry Genetics
Classification: Uncertain significance. Last evaluated: 2021-06-22. Review status: criteria provided, single submitter. Criteria: Ambry Variant Classification Scheme 2023. Collection method: clinical testing. Allele origin: germline.

NM_015512.5(DNAH1):c.6890A>C (p.Asn2297Thr)

Gene: DNAH1 (dynein axonemal heavy chain 1; plus strand). Cytogenetic location: 3p21.1.
Variant type: single nucleotide variant.
Coding change: c.6890A>C on transcript NM_015512.5 (MANE Select); coding-DNA position 6890, A replaced by C.
Protein change: p.Asn2297Thr; replaces asparagine 2297 with threonine.
Molecular consequence: missense variant.
Genome position (GRCh38, 1-based): chr3:52,372,958, A>C. VCF-style: chr3-52372958-A-C. GRCh37 (hg19) VCF-style: chr3-52406974-A-C.
Other names: c.6890A>C (NM_015512.4); short protein forms N2297T.
Identifiers: ClinVar variation 1446723 (VCV001446723.9), dbSNP rs988757529, ClinGen allele CA74763309.